The following is an entry in ClinVar:

NM_015896.4(ZMYND10):c.931C>T (p.Gln311Ter)

Gene: ZMYND10 (zinc finger MYND-type containing 10; minus strand). Cytogenetic location: 3p21.31.
Variant type: single nucleotide variant.
Coding change: c.931C>T on transcript NM_015896.4 (MANE Select); coding-DNA position 931, C replaced by T.
Protein change: p.Gln311Ter; replaces glutamine 311 with a stop codon.
Molecular consequence: nonsense.
Genome position (GRCh38, 1-based): chr3:50,342,083, G>A on the plus strand (C>T on the coding strand, the complement: ZMYND10 is on the minus strand). VCF-style: chr3-50342083-G-A. GRCh37 (hg19) VCF-style: chr3-50379514-G-A.
Other names: c.916C>T, p.Gln306Ter (NM_001308379.2); short protein forms Q306*, Q311*.
Identifiers: ClinVar variation 3617264 (VCV003617264.3).

ClinVar aggregate classification (germline): Pathogenic/Likely pathogenic. Review status: criteria provided, multiple submitters, no conflicts (2 of 4 stars). 2 submissions from 2 submitters: Pathogenic (1); Likely pathogenic (1). Last evaluated 2024-11-03.

Conditions:
Primary ciliary dyskinesia 22. Also called: CILIARY DYSKINESIA, PRIMARY, 22, WITH OR WITHOUT SITUS INVERSUS. Identifiers: Orphanet 244, MedGen C3809543, MONDO:0014192, OMIM 615444.
Primary ciliary dyskinesia. Also called: Ciliary dyskinesia. Identifiers: Orphanet 244, MedGen C0008780, MONDO:0016575, HP:0012265.

Submissions (2):

Labcorp Genetics (formerly Invitae), Labcorp
Classification: Pathogenic for Primary ciliary dyskinesia. Last evaluated: 2024-11-03. Review status: criteria provided, single submitter. Criteria: Invitae Variant Classification Sherloc (09022015). Collection method: clinical testing. Allele origin: germline.
Comment: This sequence change creates a premature translational stop signal (p.Gln311*) in the ZMYND10 gene. It is expected to result in an absent or disrupted protein product. Loss-of-function variants in ZMYND10 are known to be pathogenic (PMID: 23891469, 23891471). This variant is not present in population databases (gnomAD no frequency). This variant has not been reported in the literature in individuals affected with ZMYND10-related conditions. Algorithms developed to predict the effect of sequence changes on RNA splicing suggest that this variant may disrupt the consensus splice site. For these reasons, this variant has been classified as Pathogenic.

Department of Pathology and Laboratory Medicine, Sinai Health System
Classification: Likely pathogenic for Primary ciliary dyskinesia 22. Last evaluated: 2022-11-01. Review status: criteria provided, single submitter. Criteria: ACMG Guidelines, 2015. Collection method: research. Allele origin: germline.

Literature cited by the submitters: PubMed 23891469 (cited by Labcorp Genetics (formerly Invitae), Labcorp); PubMed 23891471 (cited by Labcorp Genetics (formerly Invitae), Labcorp).